The following is an entry in ClinVar:

NM_014855.3(AP5Z1):c.931+10C>A

Gene: AP5Z1 (adaptor related protein complex 5 subunit zeta 1; plus strand). Cytogenetic location: 7p22.1.
Variant type: single nucleotide variant.
Coding change: c.931+10C>A on transcript NM_014855.3 (MANE Select); 10 bases into the intron after coding-DNA position 931, C replaced by A.
Molecular consequence: intron variant.
Genome position (GRCh38, 1-based): chr7:4,785,058, C>A. VCF-style: chr7-4785058-C-A. GRCh37 (hg19) VCF-style: chr7-4824689-C-A.
Other names: c.463+10C>A (NM_001364858.1).
Identifiers: ClinVar variation 700854 (VCV000700854.10), dbSNP rs377356001, ClinGen allele CA4137459.

ClinVar aggregate classification (germline): Likely benign. Review status: criteria provided, single submitter (1 of 4 stars). 2 submissions from 2 submitters: Likely benign (1). 1 of the submissions does not count toward it. Last evaluated 2025-04-11.

Conditions:
AP5Z1-related disorder. Also called: AP5Z1-related condition.
Hereditary spastic paraplegia 48. Also called: SPASTIC PARAPLEGIA 48, AUTOSOMAL RECESSIVE; Spastic paraplegia 48. Identifiers: Orphanet 306511, MedGen C3150901, MONDO:0013342, OMIM 613647.

Allele frequency attached by ClinVar (database versions not stated): TOPMed 0.00007; gnomAD 0.00009.
gnomAD v4.1: 79 of 1,586,514 alleles (0.005%); highest among the groups gnomAD compares: East Asian, 0.029%; 1 homozygote.

Submissions (2):

Labcorp Genetics (formerly Invitae), Labcorp
Classification: Likely benign for Hereditary spastic paraplegia 48. Last evaluated: 2025-04-11. Review status: criteria provided, single submitter. Criteria: Invitae Variant Classification Sherloc (09022015). Collection method: clinical testing. Allele origin: germline.

PreventionGenetics, part of Exact Sciences
Classification: Likely benign for AP5Z1-related condition. Last evaluated: 2019-08-09. Review status: no assertion criteria provided. Collection method: clinical testing. Allele origin: germline. Not counted in ClinVar's aggregate classification.
Comment: This variant is classified as likely benign based on ACMG/AMP sequence variant interpretation guidelines (Richards et al. 2015 PMID: 25741868, with internal and published modifications).